The following is an entry in ClinVar:

ClinVar aggregate classification (germline): Pathogenic (1 of 4 stars; one submission).

Submission:

GeneDx
Classification: Pathogenic. Last evaluated: 2025-11-11. Review status: criteria provided, single submitter. Criteria: GeneDx Variant Classification Process June 2021. Collection method: clinical testing. Allele origin: germline. Affected: yes.
Comment: Not observed at significant frequency in large population cohorts (gnomAD); In silico analysis supports that this missense variant has a deleterious effect on protein structure/function; Has not been previously published as pathogenic or benign to our knowledge; This variant is associated with the following publications: (PMID: 27164704)

NM_007327.4(GRIN1):c.1852G>A (p.Gly618Ser)

Gene: GRIN1 (glutamate ionotropic receptor NMDA type subunit 1; plus strand). Cytogenetic location: 9q34.3.
Variant type: single nucleotide variant.
Coding change: c.1852G>A on transcript NM_007327.4 (MANE Select); coding-DNA position 1852, G replaced by A.
Protein change: p.Gly618Ser; replaces glycine 618 with serine.
Molecular consequence: missense variant.
Genome position (GRCh38, 1-based): chr9:137,162,504, G>A. VCF-style: chr9-137162504-G-A. GRCh37 (hg19) VCF-style: chr9-140056956-G-A.
Other names: c.1852G>A, p.Gly618Ser (NM_000832.7, NM_021569.4); c.1915G>A, p.Gly639Ser (NM_001185090.2, NM_001185091.2); short protein forms G618S, G639S.
Identifiers: ClinVar variation 1683956 (VCV001683956.3), dbSNP rs1833614590, ClinGen allele CA375719943.